The following is an entry in ClinVar:

NM_000400.4(ERCC2):c.1805G>C (p.Gly602Ala)

Gene: ERCC2 (ERCC excision repair 2, TFIIH core complex helicase subunit; minus strand). Cytogenetic location: 19q13.32.
Variant type: single nucleotide variant.
Coding change: c.1805G>C on transcript NM_000400.4 (MANE Select); coding-DNA position 1805, G replaced by C.
Protein change: p.Gly602Ala; replaces glycine 602 with alanine.
Molecular consequence: missense variant.
Genome position (GRCh38, 1-based): chr19:45,353,109, C>G on the plus strand (G>C on the coding strand, the complement: ERCC2 is on the minus strand). VCF-style: chr19-45353109-C-G. GRCh37 (hg19) VCF-style: chr19-45856367-C-G.
Other names: short protein forms G602A.
Identifiers: ClinVar variation 1780469 (VCV001780469.2), dbSNP rs771824813, ClinGen allele CA406364162.

ClinVar aggregate classification (germline): Uncertain significance (1 of 4 stars; one submission).

Conditions:
Inborn genetic diseases. Identifiers: MedGen C0950123, MeSH D030342.

Submission:

Ambry Genetics
Classification: Uncertain significance for Inborn genetic diseases. Last evaluated: 2022-09-30. Review status: criteria provided, single submitter. Criteria: Ambry Variant Classification Scheme 2023. Collection method: clinical testing. Allele origin: germline.
Comment: The p.G602A variant (also known as c.1805G>C), located in coding exon 19 of the ERCC2 gene, results from a G to C substitution at nucleotide position 1805. The glycine at codon 602 is replaced by alanine, an amino acid with similar properties. This amino acid position is conserved. In addition, this alteration is predicted to be deleterious by in silico analysis. Since supporting evidence is limited at this time, the clinical significance of this alteration remains unclear.